The following is an entry in ClinVar:

NM_144997.7(FLCN):c.154A>G (p.Ile52Val)

Gene: FLCN (folliculin; minus strand). Cytogenetic location: 17p11.2.
Variant type: single nucleotide variant.
Coding change: c.154A>G on transcript NM_144997.7 (MANE Select); coding-DNA position 154, A replaced by G.
Protein change: p.Ile52Val; replaces isoleucine 52 with valine.
Molecular consequence: missense variant.
Genome position (GRCh38, 1-based): chr17:17,227,984, T>C on the plus strand (A>G on the coding strand, the complement: FLCN is on the minus strand). VCF-style: chr17-17227984-T-C. GRCh37 (hg19) VCF-style: chr17-17131298-T-C.
Other names: c.154A>G (NM_144997.5); c.154A>G, p.Ile52Val (NM_001353229.2, NM_001353230.2, NM_001353231.2 and 1 more transcripts); short protein forms I52V.
Identifiers: ClinVar variation 1014670 (VCV001014670.10), dbSNP rs2047308054, ClinGen allele CA398535213.

ClinVar aggregate classification (germline): Uncertain significance. Review status: criteria provided, multiple submitters, no conflicts (2 of 4 stars). 3 submissions from 3 submitters: Uncertain significance (3). Last evaluated 2025-08-21.

Conditions:
Hereditary cancer-predisposing syndrome. Also called: Tumor predisposition; Hereditary Cancer Syndrome; Neoplastic Syndromes, Hereditary; Hereditary neoplastic syndrome. Identifiers: Orphanet 140162, MedGen C0027672, MeSH D009386, MONDO:0015356.
Birt-Hogg-Dube syndrome. Also called: Birt Hogg Dubé syndrome. Identifiers: Orphanet 122, MedGen C0346010, MONDO:0800444.

Submissions (3):

Labcorp Genetics (formerly Invitae), Labcorp
Classification: Uncertain significance for Birt-Hogg-Dube syndrome. Last evaluated: 2025-08-21. Review status: criteria provided, single submitter. Criteria: Invitae Variant Classification Sherloc (09022015). Collection method: clinical testing. Allele origin: germline.
Comment: This sequence change replaces isoleucine, which is neutral and non-polar, with valine, which is neutral and non-polar, at codon 52 of the FLCN protein (p.Ile52Val). This variant is not present in population databases (gnomAD no frequency). This variant has not been reported in the literature in individuals affected with FLCN-related conditions. ClinVar contains an entry for this variant (Variation ID: 1014670). An algorithm developed to predict the effect of missense changes on protein structure and function (PolyPhen-2) suggests that this variant is likely to be tolerated. In summary, the available evidence is currently insufficient to determine the role of this variant in disease. Therefore, it has been classified as a Variant of Uncertain Significance.

Ambry Genetics
Classification: Uncertain significance for Hereditary cancer-predisposing syndrome. Last evaluated: 2025-06-23. Review status: criteria provided, single submitter. Criteria: Ambry Variant Classification Scheme 2023. Collection method: clinical testing. Allele origin: germline.
Comment: The p.I52V variant (also known as c.154A>G), located in coding exon 1 of the FLCN gene, results from an A to G substitution at nucleotide position 154. The isoleucine at codon 52 is replaced by valine, an amino acid with highly similar properties. This amino acid position is conserved. In addition, the in silico prediction for this alteration is inconclusive. Since supporting evidence is limited at this time, the clinical significance of this alteration remains unclear.

Center for Genomic Medicine, Rigshospitalet, Copenhagen University Hospital
Classification: Uncertain significance. Last evaluated: 2025-03-04. Review status: criteria provided, single submitter. Criteria: ACMG Guidelines, 2015. Collection method: clinical testing. Allele origin: germline.